The following is an entry in ClinVar:

NM_005797.4(MPZL2):c.537dup (p.Lys180fs)

Gene: MPZL2 (myelin protein zero like 2; minus strand). Cytogenetic location: 11q23.3.
Variant type: Duplication.
Coding change: c.537dup on transcript NM_005797.4 (MANE Select); coding-DNA position 537, one base duplicated (G; older notation c.537dupG).
Protein change: p.Lys180fs; shifts the reading frame from lysine 180.
Molecular consequence: frameshift variant.
Genome position (GRCh38, 1-based): chr11:118,260,101, C duplicated on the plus strand (G on the coding strand, the reverse complement: MPZL2 is on the minus strand); the first of 2 consecutive C bases (chr11:118,260,101-118,260,102); duplicating either gives the same sequence. VCF-style (leftmost placement, unchanged base first): chr11-118260100-T-TC. GRCh37 (hg19) VCF-style: chr11-118130815-T-TC.
Other names: c.537dup, p.Lys180fs (NM_144765.3); short protein forms K180fs.
Identifiers: ClinVar variation 4850151 (VCV004850151.3).

ClinVar aggregate classification (germline): Conflicting classifications of pathogenicity. Review status: criteria provided, conflicting classifications (1 of 4 stars). 2 submissions from 2 submitters: Likely pathogenic (1); Uncertain significance (1). Last evaluated 2025-09-11.

Conditions:
Hearing loss, autosomal recessive 111. Also called: DEAFNESS, AUTOSOMAL RECESSIVE 111. Identifiers: MedGen C4748374, MONDO:0029142, OMIM 618145.

Submissions (2):

Variantyx, Inc.
Classification: Likely pathogenic for Hearing loss, autosomal recessive 111. Last evaluated: 2025-09-11. Review status: criteria provided, single submitter. Criteria: Variantyx Assertion Criteria 2022. Collection method: clinical testing. Allele origin: germline. Inheritance: Autosomal recessive inheritance. Affected: no.
Comment: This is a frameshift variant in the MPZL2 gene (OMIM: 604873). Pathogenic variants in this gene have been associated with autosomal recessive hearing loss 111. This variant introduces a premature termination codon in exon 4 out of 6 and is expected to result in loss of function, which is a known disease mechanism for MPZL2 in this disorder (PVS1) (PMID:29961571). This variant has a 0.0193% maximum allele frequency in non-founder control populations (PM2). Based on the current evidence, this variant is classified as likely pathogenic for autosomal recessive hearing loss 111.

Juno Genomics, Hangzhou Juno Genomics, Inc
Classification: Uncertain significance for Hearing loss, autosomal recessive 111. Review status: criteria provided, single submitter. Criteria: ACMG Guidelines, 2015. Collection method: clinical testing. Allele origin: germline.
Comment: Null variant in a gene where loss of function (LOF) is a known mechanism of disease.;Absent from controls (or at extremely low frequency if recessive) in Genome Aggregation Database.

Literature cited by the submitters: PubMed 29961571 (cited by Variantyx, Inc.).